The following is an entry in ClinVar:

NM_003119.4(SPG7):c.1937-2A>T

Gene: SPG7 (SPG7 matrix AAA peptidase subunit, paraplegin; plus strand). Cytogenetic location: 16q24.3.
Variant type: single nucleotide variant.
Coding change: c.1937-2A>T on transcript NM_003119.4 (MANE Select); the canonical splice acceptor site of the intron before coding-DNA position 1937, A replaced by T.
Molecular consequence: splice acceptor variant.
Genome position (GRCh38, 1-based): chr16:89,553,792, A>T. VCF-style: chr16-89553792-A-T. GRCh37 (hg19) VCF-style: chr16-89620200-A-T.
Other names: c.1937-2A>T (NM_001363850.1).
Identifiers: ClinVar variation 4850486 (VCV004850486.1).
Genomic context (GRCh38, chr16:89,553,792, plus strand): 5'-GGCCCAGCACTGCTCTGCGCCTGCAGTGCTGAGGATGCCTCTGTCTCGACCCCGCCCTCC[A>T]GGGGCACAGGACGACCTGAGGAAGGTCACCCGCATCGCCTACTCCATGGTGAAGCAGTTT-3'

ClinVar aggregate classification (germline): Likely pathogenic (1 of 4 stars; one submission).

Conditions:
Hereditary spastic paraplegia 7 (SPG7). Also called: Spastic paraplegia 7; Hereditary spastic paraplegia Paraplegin type; Autosomal recessive spastic paraplegia type 7; SPASTIC PARAPLEGIA 7, AUTOSOMAL RECESSIVE, WITH OR WITHOUT CEREBELLAR ATAXIA; SPG7-related neurologic disorder. Identifiers: Orphanet 99013, MedGen C1846564, MONDO:0011803, OMIM 607259.

gnomAD v4.1: 1 of 1,613,330 alleles (0.000062%); highest among the groups gnomAD compares: South Asian, 0.0011%; no homozygotes.

Submission:

First Genomix Gene Laboratory, Genetic Diagnostics Department
Classification: Likely pathogenic for Hereditary spastic paraplegia 7. Last evaluated: 2025-08-26. Review status: criteria provided, single submitter. Criteria: ACMG Guidelines, 2015. Collection method: clinical testing. Allele origin: germline. Inheritance: Autosomal recessive inheritance. Affected: no. Observed: 1 variant allele.